The following is an entry in ClinVar:

NM_007294.4(BRCA1):c.1021G>T (p.Asp341Tyr)

Gene: BRCA1 (BRCA1 DNA repair associated; minus strand). Cytogenetic location: 17q21.31.
Variant type: single nucleotide variant.
Coding change: c.1021G>T on transcript NM_007294.4 (MANE Select); coding-DNA position 1021, G replaced by T.
Protein change: p.Asp341Tyr; replaces aspartic acid 341 with tyrosine.
Molecular consequence: missense variant. On other transcripts: intron variant (137).
Genome position (GRCh38, 1-based): chr17:43,094,510, C>A on the plus strand (G>T on the coding strand, the complement: BRCA1 is on the minus strand). VCF-style: chr17-43094510-C-A. GRCh37 (hg19) VCF-style: chr17-41246527-C-A.
Other names: c.808G>T, p.Asp270Tyr (NM_001407571.1, NM_001407853.1, NM_001407894.1 and 9 more transcripts); c.1021G>T, p.Asp341Tyr (NM_001407581.1, NM_001407582.1, NM_001407583.1 and 30 more transcripts); c.1018G>T, p.Asp340Tyr (NM_001407587.1, NM_001407590.1, NM_001407591.1 and 22 more transcripts); c.1012G>T, p.Asp338Tyr (NM_001407646.1, NM_001407647.1); c.898G>T, p.Asp300Tyr (NM_001407648.1, NM_001407664.1, NM_001407665.1 and 19 more transcripts); c.895G>T, p.Asp299Tyr (NM_001407649.1, NM_001407670.1, NM_001407671.1 and 11 more transcripts); c.943G>T, p.Asp315Tyr (NM_001407653.1, NM_001407654.1, NM_001407655.1 and 4 more transcripts); c.940G>T, p.Asp314Tyr (NM_001407659.1, NM_001407660.1, NM_001407661.1 and 1 more transcripts); and 40 more; short protein forms D341Y, D294Y, D271Y, D45Y, D173Y, D214Y, D252Y, D274Y.
Identifiers: ClinVar variation 482915 (VCV000482915.28), dbSNP rs756987689, ClinGen allele CA056973.

ClinVar aggregate classification (germline): Conflicting classifications of pathogenicity. Review status: criteria provided, conflicting classifications (1 of 4 stars). 6 submissions from 6 submitters: Uncertain significance (5); Likely benign (1). Last evaluated 2024-05-31.

Conditions:
Hereditary breast ovarian cancer syndrome. Also called: Hereditary breast and ovarian cancer syndrome; Hereditary breast and ovarian cancer; Hereditary breast and ovarian cancer syndrome (HBOC); Breast and ovarian cancer; Hereditary breast and/or ovarian cancer syndrome; BRCA1- and BRCA2-Associated Hereditary Breast and Ovarian Cancer. Identifiers: Orphanet 145, MedGen C0677776, MeSH D061325, MONDO:0003582. Disease mechanism: loss of function.
Hereditary cancer-predisposing syndrome. Also called: Neoplastic Syndromes, Hereditary; Tumor predisposition; Hereditary Cancer Syndrome; Hereditary neoplastic syndrome. Identifiers: Orphanet 140162, MedGen C0027672, MeSH D009386, MONDO:0015356.

Allele frequency attached by ClinVar (database versions not stated): gnomAD exomes below 0.00001; TOPMed below 0.00001; ExAC 0.00001.
gnomAD v4.1: 1 of 1,614,036 alleles (0.000062%); highest among the groups gnomAD compares: South Asian, 0.0011%; no homozygotes.

Submissions (6):

Ambry Genetics
Classification: Uncertain significance for Hereditary cancer-predisposing syndrome. Last evaluated: 2024-05-31. Review status: criteria provided, single submitter. Criteria: Ambry Variant Classification Scheme 2023. Collection method: clinical testing. Allele origin: germline.
Comment: The p.D341Y variant (also known as c.1021G>T), located in coding exon 9 of the BRCA1 gene, results from a G to T substitution at nucleotide position 1021. The aspartic acid at codon 341 is replaced by tyrosine, an amino acid with highly dissimilar properties. This amino acid position is not well conserved in available vertebrate species. In addition, the in silico prediction for this alteration is inconclusive. Since supporting evidence is limited at this time, the clinical significance of this alteration remains unclear.

Labcorp Genetics (formerly Invitae), Labcorp
Classification: Uncertain significance for Hereditary breast ovarian cancer syndrome. Last evaluated: 2024-03-26. Review status: criteria provided, single submitter. Criteria: Invitae Variant Classification Sherloc (09022015). Collection method: clinical testing. Allele origin: germline.
Comment: This sequence change replaces aspartic acid, which is acidic and polar, with tyrosine, which is neutral and polar, at codon 341 of the BRCA1 protein (p.Asp341Tyr). This variant is not present in population databases (gnomAD no frequency). This variant has not been reported in the literature in individuals affected with BRCA1-related conditions. ClinVar contains an entry for this variant (Variation ID: 482915). Advanced modeling of protein sequence and biophysical properties (such as structural, functional, and spatial information, amino acid conservation, physicochemical variation, residue mobility, and thermodynamic stability) performed at Invitae indicates that this missense variant is not expected to disrupt BRCA1 protein function with a negative predictive value of 95%. In summary, the available evidence is currently insufficient to determine the role of this variant in disease. Therefore, it has been classified as a Variant of Uncertain Significance.

University of Washington Department of Laboratory Medicine, University of Washington
Classification: Likely benign for Hereditary cancer-predisposing syndrome. Last evaluated: 2023-03-23. Review status: criteria provided, single submitter. Criteria: Dines et al. (Genet Med. 2020). Collection method: curation. Allele origin: germline.
Comment: Missense variant in a coldspot region where missense variants are very unlikely to be pathogenic (PMID:31911673).

BRCA1 coldspot (exon 11 using historical exon numbering). Reclassification based on statistical prior probability

Women's Health and Genetics/Laboratory Corporation of America, LabCorp
Classification: Uncertain significance. Last evaluated: 2023-01-26. Review status: criteria provided, single submitter. Criteria: LabCorp Variant Classification Summary - May 2015. Collection method: clinical testing. Allele origin: germline.

Sema4
Classification: Uncertain significance for Hereditary cancer-predisposing syndrome. Last evaluated: 2021-12-17. Review status: criteria provided, single submitter. Criteria: Sema4 Curation Guidelines. Collection method: curation. Allele origin: germline.
Comment: To the best of our knowledge, the BRCA1 c.1021G>T (p.D341Y) variant has not been reported in individuals with BRCA1-related disease. This variant is not reported in the population database Genome Aggregation Database (PMID: 32461654). This variant has been reported in ClinVar (Variation ID: 482915). Functional studies have not been performed, and in silico predictions of the variant's effect on protein function are inconclusive. The evidence is insufficient to meet ACMG/AMP criteria for classifying the variant as benign or pathogenic. Thus, the clinical significance of this variant is currently uncertain.

Quest Diagnostics Nichols Institute San Juan Capistrano
Classification: Uncertain significance. Last evaluated: 2018-12-05. Review status: criteria provided, single submitter. Criteria: Quest Diagnostics criteria. Collection method: clinical testing. Allele origin: germline.